The following is an entry in ClinVar:

NM_002693.3(POLG):c.2396_2397del (p.Ser799fs)

Gene: POLG (DNA polymerase gamma, catalytic subunit; minus strand). Cytogenetic location: 15q26.1.
Variant type: Deletion.
Coding change: c.2396_2397del on transcript NM_002693.3 (MANE Select); coding-DNA positions 2396 to 2397, 2 bases deleted (CT; older notation c.2396_2397delCT).
Protein change: p.Ser799fs; shifts the reading frame from serine 799.
Molecular consequence: frameshift variant.
Genome position (GRCh38, 1-based): chr15:89,322,771-89,322,772, AG deleted on the plus strand (CT on the coding strand, the reverse complement: POLG is on the minus strand); deleting any 2 consecutive bases within chr15:89,322,771-89,322,773 gives the same sequence; the c. name uses the placement nearest the transcript's 3' end. VCF-style (leftmost placement, unchanged base first): chr15-89322770-AAG-A. GRCh37 (hg19) VCF-style: chr15-89866001-AAG-A.
Other names: c.2396_2397del, p.Ser799fs (NM_001126131.2); short protein forms S799fs.
Identifiers: ClinVar variation 5013833 (VCV005013833.1).

ClinVar aggregate classification (germline): Pathogenic (1 of 4 stars; one submission).

Conditions:
POLG-related disorder. Also called: POLG-Related Spectrum Disorders; POLG-related condition; POLG-Related Disorders. Identifiers: MedGen C4763519.

Submission:

Myriad Genetics, Inc.
Classification: Pathogenic for POLG-related disorder. Last evaluated: 2024-12-03. Review status: criteria provided, single submitter. Criteria: Myriad Autosomal Dominant, Autosomal Recessive and X-Linked Classification Criteria (2023). Collection method: clinical testing. Allele origin: unknown.
Comment: NM_002693.2(POLG):c.2396_2397delCT(S799Ffs*7) is expected to be pathogenic in the context of POLG-related disorders. This variant is predicted to lead to an abnormal or absent protein product due to the creation of a premature termination codon in POLG, a gene where loss-of-function variants are known to be pathogenic. Please note: this variant was assessed in the context of healthy population screening.